The following is an entry in ClinVar:

ClinVar aggregate classification (germline): Uncertain significance (1 of 4 stars; one submission).

Conditions:
Early Myoclonic Encephalopathy. Identifiers: MedGen C0270855.

Submission:

Labcorp Genetics (formerly Invitae), Labcorp
Classification: Uncertain significance for Early Myoclonic Encephalopathy. Last evaluated: 2020-04-05. Review status: criteria provided, single submitter. Criteria: Invitae Variant Classification Sherloc (09022015). Collection method: clinical testing. Allele origin: germline.
Comment: Algorithms developed to predict the effect of missense changes on protein structure and function (SIFT, PolyPhen-2, Align-GVGD) all suggest that this variant is likely to be tolerated, but these predictions have not been confirmed by published functional studies and their clinical significance is uncertain. In summary, the available evidence is currently insufficient to determine the role of this variant in disease. Therefore, it has been classified as a Variant of Uncertain Significance. This variant has not been reported in the literature in individuals with JMJD1C-related conditions. This variant is not present in population databases (ExAC no frequency). This sequence change replaces valine with isoleucine at codon 509 of the JMJD1C protein (p.Val509Ile). The valine residue is moderately conserved and there is a small physicochemical difference between valine and isoleucine.

NM_032776.3(JMJD1C):c.1525G>A (p.Val509Ile)

Gene: JMJD1C (jumonji domain containing 1C; minus strand). Cytogenetic location: 10q21.3.
Variant type: single nucleotide variant.
Coding change: c.1525G>A on transcript NM_032776.3 (MANE Select); coding-DNA position 1525, G replaced by A.
Protein change: p.Val509Ile; replaces valine 509 with isoleucine.
Molecular consequence: missense variant. On other transcripts: non-coding transcript variant (1).
Genome position (GRCh38, 1-based): chr10:63,214,642, C>T on the plus strand (G>A on the coding strand, the complement: JMJD1C is on the minus strand). VCF-style: chr10-63214642-C-T. GRCh37 (hg19) VCF-style: chr10-64974402-C-T.
Other names: c.979G>A, p.Val327Ile (NM_001282948.2, NM_001318154.2); c.661G>A, p.Val221Ile (NM_001318153.2); c.1411G>A, p.Val471Ile (NM_001322252.2); c.868G>A, p.Val290Ile (NM_001322254.2, NM_001322258.2); short protein forms V327I, V471I, V290I, V221I, V509I.
Identifiers: ClinVar variation 1044784 (VCV001044784.8), dbSNP rs1847768394, ClinGen allele CA377048929.
Genomic context (GRCh38, chr10:63,214,642, plus strand): 5'-AGGTACTTGAGTTTTCCTGAGCCACCTTTTCTAAATTAGTGTCATTTGTAATATCAATAA[C>T]ACATTTTGGTGTGGGTGGTCTGGATACAAACTTCTCCTTTGGTAGCAATTCCATGGTATG-3'
Protein context (NP_116165.1, residues 499-519): FVSRPPTPKC[Val509Ile]IDITNDTNLE